The following is an entry in ClinVar:

ClinVar aggregate classification (germline): Uncertain significance (1 of 4 stars; one submission).

Conditions:
Hereditary sensory and autonomic neuropathy type 7. Also called: HSAN VII; Neuropathy, hereditary sensory and autonomic, type VII. Identifiers: Orphanet 391397, MedGen C3809882, MONDO:0014244, OMIM 615548.
Familial episodic pain syndrome with predominantly lower limb involvement. Also called: Episodic pain syndrome, familial, 3. Identifiers: Orphanet 391384, Orphanet 391392, MedGen C3809899, MONDO:0014247, OMIM 615552.

gnomAD v4.1: 1 of 1,610,362 alleles (0.000062%); highest among the groups gnomAD compares: Non-Finnish European, 0.000085%; no homozygotes.

Submission:

Labcorp Genetics (formerly Invitae), Labcorp
Classification: Uncertain significance for Familial episodic pain syndrome with predominantly lower limb involvement; Hereditary sensory and autonomic neuropathy type 7. Last evaluated: 2024-05-02. Review status: criteria provided, single submitter. Criteria: Invitae Variant Classification Sherloc (09022015). Collection method: clinical testing. Allele origin: germline.
Comment: This sequence change replaces glutamine, which is neutral and polar, with lysine, which is basic and polar, at codon 1083 of the SCN11A protein (p.Gln1083Lys). This variant is not present in population databases (gnomAD no frequency). This variant has not been reported in the literature in individuals affected with SCN11A-related conditions. Advanced modeling of protein sequence and biophysical properties (such as structural, functional, and spatial information, amino acid conservation, physicochemical variation, residue mobility, and thermodynamic stability) performed at Invitae indicates that this missense variant is not expected to disrupt SCN11A protein function with a negative predictive value of 80%. In summary, the available evidence is currently insufficient to determine the role of this variant in disease. Therefore, it has been classified as a Variant of Uncertain Significance.

NM_001349253.2(SCN11A):c.3247C>A (p.Gln1083Lys)

Gene: SCN11A (sodium voltage-gated channel alpha subunit 11; minus strand). Cytogenetic location: 3p22.2.
Variant type: single nucleotide variant.
Coding change: c.3247C>A on transcript NM_001349253.2 (MANE Select); coding-DNA position 3247, C replaced by A.
Protein change: p.Gln1083Lys; replaces glutamine 1083 with lysine.
Molecular consequence: missense variant.
Genome position (GRCh38, 1-based): chr3:38,880,096, G>T on the plus strand (C>A on the coding strand, the complement: SCN11A is on the minus strand). VCF-style: chr3-38880096-G-T. GRCh37 (hg19) VCF-style: chr3-38921587-G-T.
Other names: c.3247C>A, p.Gln1083Lys (NM_014139.3); short protein forms Q1083K.
Identifiers: ClinVar variation 3753249 (VCV003753249.2).
Genomic context (GRCh38, chr3:38,880,096, plus strand): 5'-GGATAAAAATATGTGTAAAAATAATGTCAGTACAATTTAGTAATTCTTGGATTTTGGGTT[G>T]GTTCTCAAGGTGAACATCTTCAAATATCTGAAATGAAAAAGCATAGCCATAGGCCAGGTT-3'
Protein context (NP_001336182.1, residues 1073-1093): LIFEDVHLEN[Gln1083Lys]PKIQELLNCT